The following is an entry in ClinVar:

NM_014244.5(ADAMTS2):c.535-20C>T

Gene: ADAMTS2 (ADAM metallopeptidase with thrombospondin type 1 motif 2; minus strand). Cytogenetic location: 5q35.3.
Variant type: single nucleotide variant.
Coding change: c.535-20C>T on transcript NM_014244.5 (MANE Select); 20 bases into the intron before coding-DNA position 535, C replaced by T.
Molecular consequence: intron variant.
Genome position (GRCh38, 1-based): chr5:179,273,084, G>A on the plus strand (C>T on the coding strand, the complement: ADAMTS2 is on the minus strand). VCF-style: chr5-179273084-G-A. GRCh37 (hg19) VCF-style: chr5-178700085-G-A.
Other names: c.535-20C>T (NM_021599.4).
Identifiers: ClinVar variation 681793 (VCV000681793.12), dbSNP rs565768078, ClinGen allele CA3596281.

ClinVar aggregate classification (germline): Likely benign. Review status: criteria provided, multiple submitters, no conflicts (2 of 4 stars). 5 submissions from 5 submitters: Likely benign (5). Last evaluated 2026-01-26.

Conditions:
Ehlers-Danlos syndrome, dermatosparaxis type. Also called: EDS VIIC; Dermatosparaxis; Ehlers-Danlos syndrome, type VII, autosomal recessive. Identifiers: Orphanet 1901, MedGen C2700425, MONDO:0009161, OMIM 225410.

Allele frequency attached by ClinVar (database versions not stated): gnomAD exomes 0.00011 and 0.00018; 1000 Genomes Project 30x 0.00016; ExAC 0.00019; 1000 Genomes Project 0.00020; TOPMed 0.00005; gnomAD 0.00010 and 0.00005.

Submissions (5):

Labcorp Genetics (formerly Invitae), Labcorp
Classification: Likely benign for Ehlers-Danlos syndrome, dermatosparaxis type. Last evaluated: 2026-01-26. Review status: criteria provided, single submitter. Criteria: Invitae Variant Classification Sherloc (09022015). Collection method: clinical testing. Allele origin: germline.

Women's Health and Genetics/Laboratory Corporation of America, LabCorp
Classification: Likely benign. Last evaluated: 2025-11-04. Review status: criteria provided, single submitter. Criteria: LabCorp Variant Classification Summary - May 2015. Collection method: clinical testing. Allele origin: germline.

Blueprint Genetics
Classification: Likely benign. Last evaluated: 2024-11-13. Review status: criteria provided, single submitter. Criteria: ACMG Guidelines, 2015. Collection method: clinical testing. Allele origin: germline.

GeneDx
Classification: Likely benign. Last evaluated: 2018-04-13. Review status: criteria provided, single submitter. Criteria: GeneDx Variant Classification (06012015). Collection method: clinical testing. Allele origin: germline. Affected: yes.
Comment: This variant is considered likely benign or benign based on one or more of the following criteria: it is a conservative change, it occurs at a poorly conserved position in the protein, it is predicted to be benign by multiple in silico algorithms, and/or has population frequency not consistent with disease.

Breakthrough Genomics
Classification: Likely benign. Review status: criteria provided, single submitter. Criteria: ACMG Guidelines, 2015. Collection method: not provided. Allele origin: germline. Inheritance: Autosomal recessive inheritance. Affected: yes.